The following is an entry in ClinVar:

ClinVar aggregate classification (germline): Uncertain significance (1 of 4 stars; one submission).

Conditions:
Spermatogenic failure 18. Identifiers: MedGen C4539783, MONDO:0054615, OMIM 617576.
Ciliary dyskinesia, primary, 37 (CILD37). Also called: CILIARY DYSKINESIA, PRIMARY, 37, WITH OR WITHOUT SITUS INVERSUS. Identifiers: MedGen C4539798, MONDO:0033204, OMIM 617577.

Submission:

Labcorp Genetics (formerly Invitae), Labcorp
Classification: Uncertain significance for Ciliary dyskinesia, primary, 37; Spermatogenic failure 18. Last evaluated: 2026-01-24. Review status: criteria provided, single submitter. Criteria: Invitae Variant Classification Sherloc (09022015). Collection method: clinical testing. Allele origin: germline.
Comment: This sequence change replaces phenylalanine, which is neutral and non-polar, with leucine, which is neutral and non-polar, at codon 145 of the DNAH1 protein (p.Phe145Leu). This variant is not present in population databases (gnomAD no frequency). This variant has not been reported in the literature in individuals affected with DNAH1-related conditions. An algorithm developed to predict the effect of missense changes on protein structure and function outputs the following: PolyPhen-2: "Benign". The leucine amino acid residue is found in multiple mammalian species, which suggests that this missense change does not adversely affect protein function. In summary, the available evidence is currently insufficient to determine the role of this variant in disease. Therefore, it has been classified as a Variant of Uncertain Significance.

NM_015512.5(DNAH1):c.435C>G (p.Phe145Leu)

Gene: DNAH1 (dynein axonemal heavy chain 1; plus strand). Cytogenetic location: 3p21.1.
Variant type: single nucleotide variant.
Coding change: c.435C>G on transcript NM_015512.5 (MANE Select); coding-DNA position 435, C replaced by G.
Protein change: p.Phe145Leu; replaces phenylalanine 145 with leucine.
Molecular consequence: missense variant.
Genome position (GRCh38, 1-based): chr3:52,326,168, C>G. VCF-style: chr3-52326168-C-G. GRCh37 (hg19) VCF-style: chr3-52360184-C-G.
Other names: short protein forms F145L.
Identifiers: ClinVar variation 4790580 (VCV004790580.1).